The following is an entry in ClinVar:

ClinVar aggregate classification (germline): Conflicting classifications of pathogenicity. Review status: criteria provided, conflicting classifications (1 of 4 stars). 3 submissions from 3 submitters: Uncertain significance (1); Likely benign (2). Last evaluated 2026-01-06.

Conditions:
HYPERHOMOCYSTEINEMIA, THROMBOTIC, CBS-RELATED. Identifiers: MedGen C3150344, OMIM 236200.
Familial thoracic aortic aneurysm and aortic dissection (TAAD). Also called: Thoracic aortic aneurysms and dissections. Identifiers: Orphanet 91387, MedGen C4707243, MONDO:0019625.

Allele frequency attached by ClinVar (database versions not stated): gnomAD 0.00003; ExAC 0.00004; ESP Exome Variant Server 0.00008.

Submissions (3):

Labcorp Genetics (formerly Invitae), Labcorp
Classification: Likely benign for HYPERHOMOCYSTEINEMIA, THROMBOTIC, CBS-RELATED. Last evaluated: 2026-01-06. Review status: criteria provided, single submitter. Criteria: Invitae Variant Classification Sherloc (09022015). Collection method: clinical testing. Allele origin: germline.

Ambry Genetics
Classification: Uncertain significance for Familial thoracic aortic aneurysm and aortic dissection. Last evaluated: 2024-04-29. Review status: criteria provided, single submitter. Criteria: Ambry Variant Classification Scheme 2023. Collection method: clinical testing. Allele origin: germline.
Comment: The c.1224-5C>T intronic variant results from a C to T substitution 5 nucleotides upstream from coding exon 12 in the CBS gene. This nucleotide position is not well conserved in available vertebrate species. In silico splice site analysis predicts that this alteration will not have any significant effect on splicing. Based on the available evidence, the clinical significance of this variant remains unclear.

GeneDx
Classification: Likely benign. Last evaluated: 2017-04-26. Review status: criteria provided, single submitter. Criteria: GeneDx Variant Classification (06012015). Collection method: clinical testing. Allele origin: germline. Affected: yes.
Comment: This variant is considered likely benign or benign based on one or more of the following criteria: it is a conservative change, it occurs at a poorly conserved position in the protein, it is predicted to be benign by multiple in silico algorithms, and/or has population frequency not consistent with disease.

NM_000071.3(CBS):c.1224-5C>T

Gene: CBS (cystathionine beta-synthase; minus strand). Cytogenetic location: 21q22.3.
Variant type: single nucleotide variant.
Coding change: c.1224-5C>T on transcript NM_000071.3 (MANE Select); 5 bases into the intron before coding-DNA position 1224, C replaced by T.
Molecular consequence: intron variant.
Genome position (GRCh38, 1-based): chr21:43,058,973, G>A on the plus strand (C>T on the coding strand, the complement: CBS is on the minus strand). VCF-style: chr21-43058973-G-A. GRCh37 (hg19) VCF-style: chr21-44479083-G-A.
Other names: c.1224-5C>T (NM_001320298.2, NM_001178009.3, NM_001178008.3); c.909-5C>T (NM_001321072.1).
Identifiers: ClinVar variation 509146 (VCV000509146.12), dbSNP rs370071493, ClinGen allele CA321688119.